The following is an entry in ClinVar:

ClinVar aggregate classification (germline): Likely benign (0 of 4 stars; one submission).

Allele frequency attached by ClinVar (database versions not stated): gnomAD exomes 0.00008 and 0.00020; ExAC 0.00024; ESP Exome Variant Server 0.00059; gnomAD 0.00071 and 0.00075; 1000 Genomes Project 30x 0.00078; TOPMed 0.00079; 1000 Genomes Project 0.00100.
gnomAD v4.1: 232 of 1,614,038 alleles (0.014%); highest among the groups gnomAD compares: African/African-American, 0.26%; no homozygotes.

Submission:

Genetic Services Laboratory, University of Chicago
Classification: Likely benign for AllHighlyPenetrant. Review status: no assertion criteria provided. Collection method: clinical testing. Allele origin: germline. Inheritance: Autosomal dominant inheritance.
Comment: Likely benign based on allele frequency in 1000 Genomes Project or ESP global frequency and its presence in a patient with a rare or unrelated disease phenotype. NOT Sanger confirmed.

NM_014832.5(TBC1D4):c.3762A>T (p.Glu1254Asp)

Gene: TBC1D4 (TBC1 domain family member 4; minus strand). Cytogenetic location: 13q22.2.
Variant type: single nucleotide variant.
Coding change: c.3762A>T on transcript NM_014832.5 (MANE Select); coding-DNA position 3762, A replaced by T.
Protein change: p.Glu1254Asp; replaces glutamic acid 1254 with aspartic acid.
Molecular consequence: missense variant.
Genome position (GRCh38, 1-based): chr13:75,286,927, T>A on the plus strand (A>T on the coding strand, the complement: TBC1D4 is on the minus strand). VCF-style: chr13-75286927-T-A. GRCh37 (hg19) VCF-style: chr13-75861063-T-A.
Other names: c.3738A>T, p.Glu1246Asp (NM_001286658.2); c.3573A>T, p.Glu1191Asp (NM_001286659.2); short protein forms E1254D, E1246D, E1191D.
Identifiers: ClinVar variation 130860 (VCV000130860.6), dbSNP rs61737963, ClinGen allele CA214732.